The following is an entry in ClinVar:

ClinVar aggregate classification (germline): Uncertain significance (1 of 4 stars; one submission).

Submission:

Labcorp Genetics (formerly Invitae), Labcorp
Classification: Uncertain significance. Last evaluated: 2025-10-21. Review status: criteria provided, single submitter. Criteria: Invitae Variant Classification Sherloc (09022015). Collection method: clinical testing. Allele origin: germline.
Comment: This sequence change replaces alanine, which is neutral and non-polar, with aspartic acid, which is acidic and polar, at codon 500 of the SORL1 protein (p.Ala500Asp). This variant is not present in population databases (gnomAD no frequency). This variant has not been reported in the literature in individuals affected with SORL1-related conditions. An algorithm developed to predict the effect of missense changes on protein structure and function (PolyPhen-2) suggests that this variant is likely to be disruptive. In summary, the available evidence is currently insufficient to determine the role of this variant in disease. Therefore, it has been classified as a Variant of Uncertain Significance.

NM_003105.6(SORL1):c.1499C>A (p.Ala500Asp)

Gene: SORL1 (sortilin related receptor 1; plus strand). Cytogenetic location: 11q24.1.
Variant type: single nucleotide variant.
Coding change: c.1499C>A on transcript NM_003105.6 (MANE Select); coding-DNA position 1499, C replaced by A.
Protein change: p.Ala500Asp; replaces alanine 500 with aspartic acid.
Molecular consequence: missense variant.
Genome position (GRCh38, 1-based): chr11:121,522,680, C>A. VCF-style: chr11-121522680-C-A. GRCh37 (hg19) VCF-style: chr11-121393389-C-A.
Other names: short protein forms A500D.
Identifiers: ClinVar variation 4729595 (VCV004729595.1).